The following is an entry in ClinVar:

NC_000023.10:g.(?_29959748)_(29973937_?)dup

Gene: IL1RAPL1 (interleukin 1 receptor accessory protein like 1; plus strand). Cytogenetic location: Xp21.2.
Variant type: Duplication.
Identifiers: ClinVar variation 3246740 (VCV003246740.1).

ClinVar aggregate classification (germline): Uncertain significance (1 of 4 stars; one submission).

Submission:

Labcorp Genetics (formerly Invitae), Labcorp
Classification: Uncertain significance. Last evaluated: 2023-08-11. Review status: criteria provided, single submitter. Criteria: Invitae Variant Classification Sherloc (09022015). Collection method: clinical testing. Allele origin: unknown.
Comment: In summary, the available evidence is currently insufficient to determine the role of this variant in disease. Therefore, it has been classified as a Variant of Uncertain Significance. This variant has not been reported in the literature in individuals affected with IL1RAPL1-related conditions. This variant results in a copy number gain of the genomic region encompassing exon(s) 9-11 of the IL1RAPL1 gene. This region includes the termination codon of the gene. This copy number gain extends beyond the assayed region for this gene and therefore may encompass additional genes. As the precise location of this event is unknown, it may be in tandem or it may be located elsewhere in the genome.